The following is an entry in ClinVar:

NM_001365536.1(SCN9A):c.1792C>T (p.Arg598Cys)

Genes: SCN1A-AS1 (SCN1A and SCN9A antisense RNA 1; plus strand), SCN9A (sodium voltage-gated channel alpha subunit 9; minus strand). Cytogenetic location: 2q24.3.
Variant type: single nucleotide variant.
Coding change: c.1792C>T on transcript NM_001365536.1 (MANE Select); coding-DNA position 1792, C replaced by T.
Protein change: p.Arg598Cys; replaces arginine 598 with cysteine.
Molecular consequence: missense variant.
Genome position (GRCh38, 1-based): chr2:166,284,635, G>A on the plus strand (C>T on the coding strand, the complement: SCN9A is on the minus strand). VCF-style: chr2-166284635-G-A. GRCh37 (hg19) VCF-style: chr2-167141145-G-A.
Other names: c.1792C>T, p.Arg598Cys (NM_002977.4); short protein forms R598C.
Identifiers: ClinVar variation 835553 (VCV000835553.34), dbSNP rs200065703, ClinGen allele CA1944431.

ClinVar aggregate classification (germline): Uncertain significance. Review status: criteria provided, multiple submitters, no conflicts (2 of 4 stars). 4 submissions from 4 submitters: Uncertain significance (4). Last evaluated 2026-08-27.

Conditions:
Neuropathy, hereditary sensory and autonomic, type 2A (HSAN2A). Also called: ACROOSTEOLYSIS, GIACCAI TYPE; ACROOSTEOLYSIS, NEUROGENIC; HSAN IIA; MORVAN DISEASE; NEUROPATHY, CONGENITAL SENSORY; NEUROPATHY, HEREDITARY SENSORY RADICULAR, AUTOSOMAL RECESSIVE. Identifiers: Orphanet 970, MedGen C2752089, MONDO:0024309, OMIM 201300.
Generalized epilepsy with febrile seizures plus, type 7 (GEFSP7). Also called: GEFS+, TYPE 7. Identifiers: Orphanet 36387, MedGen C2751778, MONDO:0013470, OMIM 613863.
Inborn genetic diseases. Identifiers: MedGen C0950123, MeSH D030342.

Allele frequency attached by ClinVar (database versions not stated): gnomAD 0.00001; gnomAD exomes 0.00001; ExAC 0.00002.
gnomAD v4.1: 32 of 1,613,868 alleles (0.002%); highest among the groups gnomAD compares: Non-Finnish European, 0.0024%; 1 homozygote.

Submissions (4):

Ambry Genetics
Classification: Uncertain significance for Inborn genetic diseases. Last evaluated: 2026-08-27. Review status: criteria provided, single submitter. Criteria: Ambry Variant Classification Scheme 2023. Collection method: clinical testing. Allele origin: germline.

Labcorp Genetics (formerly Invitae), Labcorp
Classification: Uncertain significance for Neuropathy, hereditary sensory and autonomic, type 2A; Generalized epilepsy with febrile seizures plus, type 7. Last evaluated: 2025-10-01. Review status: criteria provided, single submitter. Criteria: Invitae Variant Classification Sherloc (09022015). Collection method: clinical testing. Allele origin: germline.
Comment: This sequence change replaces arginine, which is basic and polar, with cysteine, which is neutral and slightly polar, at codon 598 of the SCN9A protein (p.Arg598Cys). This variant is present in population databases (rs200065703, gnomAD 0.006%). This variant has not been reported in the literature in individuals affected with SCN9A-related conditions. ClinVar contains an entry for this variant (Variation ID: 835553). Invitae Evidence Modeling of protein sequence and biophysical properties (such as structural, functional, and spatial information, amino acid conservation, physicochemical variation, residue mobility, and thermodynamic stability) indicates that this missense variant is not expected to disrupt SCN9A protein function with a negative predictive value of 95%. In summary, the available evidence is currently insufficient to determine the role of this variant in disease. Therefore, it has been classified as a Variant of Uncertain Significance.

GeneDx
Classification: Uncertain significance. Last evaluated: 2023-04-04. Review status: criteria provided, single submitter. Criteria: GeneDx Variant Classification Process June 2021. Collection method: clinical testing. Allele origin: germline. Affected: yes.
Comment: In silico analysis supports that this missense variant has a deleterious effect on protein structure/function; Has not been previously published as pathogenic or benign to our knowledge

CeGaT Center for Human Genetics Tuebingen
Classification: Uncertain significance. Last evaluated: 2023-02-01. Review status: criteria provided, single submitter. Criteria: CeGaT Center For Human Genetics Tuebingen Variant Classification Criteria Version 2. Collection method: clinical testing. Allele origin: germline. Affected: yes. Observed: 1 variant allele.
Comment: SCN9A: PM2